The following is an entry in ClinVar:

NM_052844.4(DYNC2I2):c.224C>T (p.Ala75Val)

Gene: DYNC2I2 (dynein 2 intermediate chain 2; minus strand). Cytogenetic location: 9q34.11.
Variant type: single nucleotide variant.
Coding change: c.224C>T on transcript NM_052844.4 (MANE Select); coding-DNA position 224, C replaced by T.
Protein change: p.Ala75Val; replaces alanine 75 with valine.
Molecular consequence: missense variant.
Genome position (GRCh38, 1-based): chr9:128,640,902, G>A on the plus strand (C>T on the coding strand, the complement: DYNC2I2 is on the minus strand). VCF-style: chr9-128640902-G-A. GRCh37 (hg19) VCF-style: chr9-131403181-G-A.
Other names: short protein forms A75V.
Identifiers: ClinVar variation 1704072 (VCV001704072.2), dbSNP rs746114427, ClinGen allele CA5266698.

ClinVar aggregate classification (germline): Uncertain significance (1 of 4 stars; one submission).

Allele frequency attached by ClinVar (database versions not stated): gnomAD exomes below 0.00001; ExAC 0.00001; gnomAD 0.00001; TOPMed 0.00002.
gnomAD v4.1: 5 of 1,606,446 alleles (0.00031%); highest among the groups gnomAD compares: Middle Eastern, 0.033%; no homozygotes.

Submission:

GeneDx
Classification: Uncertain significance. Last evaluated: 2022-03-02. Review status: criteria provided, single submitter. Criteria: GeneDx Variant Classification Process June 2021. Collection method: clinical testing. Allele origin: germline. Affected: yes.
Comment: In silico analysis supports that this missense variant does not alter protein structure/function; Has not been previously published as pathogenic or benign to our knowledge